The following is an entry in ClinVar:

NM_024996.7(GFM1):c.1424del (p.Arg475fs)

Gene: GFM1 (G elongation factor mitochondrial 1; plus strand). Cytogenetic location: 3q25.32.
Variant type: Deletion.
Coding change: c.1424del on transcript NM_024996.7 (MANE Select); coding-DNA position 1424, one base deleted (G; older notation c.1424delG).
Protein change: p.Arg475fs; shifts the reading frame from arginine 475.
Molecular consequence: frameshift variant. On other transcripts: non-coding transcript variant (4).
Genome position (GRCh38, 1-based): chr3:158,665,380, G deleted. VCF-style (leftmost placement, unchanged base first): chr3-158665379-AG-A. GRCh37 (hg19) VCF-style: chr3-158383168-AG-A.
Other names: c.965del, p.Arg322fs (NM_001374358.1); c.857del, p.Arg286fs (NM_001374359.1, NM_001374360.1); c.740del, p.Arg247fs (NM_001374361.1); c.1481del, p.Arg494fs (NM_001308164.2); c.1424del, p.Arg475fs (NM_001308166.2); c.1343del, p.Arg448fs (NM_001374355.1); c.1307del, p.Arg436fs (NM_001374356.1); c.1199del, p.Arg400fs (NM_001374357.1); and 1 more; short protein forms R247fs, R286fs, R322fs, R400fs, R436fs, R448fs, R475fs, R494fs.
Identifiers: ClinVar variation 2187939 (VCV002187939.9), dbSNP rs1723572750, ClinGen allele CA1414382715.

ClinVar aggregate classification (germline): Pathogenic/Likely pathogenic. Review status: criteria provided, multiple submitters, no conflicts (2 of 4 stars). 5 submissions from 5 submitters: Pathogenic (3); Likely pathogenic (2). Last evaluated 2026-08-19.

Conditions:
GFM1-related disorder. Also called: GFM1-related condition.
Hepatoencephalopathy due to combined oxidative phosphorylation defect type 1. Also called: HEPATOENCEPHALOPATHY, EARLY FATAL PROGRESSIVE. Identifiers: Orphanet 137681, MedGen C1836797, MONDO:0012191, OMIM 609060.

Allele frequency attached by ClinVar (database versions not stated): gnomAD exomes below 0.00001.

Submissions (5):

PreventionGenetics, part of Exact Sciences
Classification: Pathogenic for GFM1-related condition. Last evaluated: 2026-08-19. Review status: criteria provided, single submitter. Criteria: ACMG Guidelines, 2015. Collection method: clinical testing. Allele origin: germline.
Comment: The GFM1 c.1481delG variant is predicted to result in a frameshift and premature protein termination (p.Arg494Lysfs*78). This variant is also referred to as c.1424delG in the literature using using NM_024996. It has been reported in the compound heterozygous state in an individual with a GFM1-related disorder (Russi. 2019. [Abstract]. 2019 PA-0523.; Supplemental Table 1, Lee et al. 2024. PubMed ID: 38360210). This variant has not been reported in a large population database (gnomAD), indicating it is rare. Frameshift variants in GFM1 are expected to be pathogenic. This variant is interpreted as pathogenic.

Natera, Inc.
Classification: Likely pathogenic for Combined oxidative phosphorylation deficiency 1. Last evaluated: 2025-09-26. Review status: criteria provided, single submitter. Criteria: Natera Variant Classification Schema (03/2026). Collection method: clinical testing. Allele origin: germline.
Comment: The c.1424delG variant in GFM1 is a frameshift variant predicted to shift the reading frame beginning at codon 475 and leads to a stop codon 78 codons downstream. This variant is expected to result in nonsense mediated decay, truncation, or a dysfunctional protein product. This variant is rare in the general population with a frequency below the threshold expected for the associated phenotype(s). Given the available evidence, this variant is classified as Likely Pathogenic.

Baylor Genetics
Classification: Likely pathogenic for Hepatoencephalopathy due to combined oxidative phosphorylation defect type 1. Last evaluated: 2024-02-26. Review status: criteria provided, single submitter. Criteria: ACMG Guidelines, 2015. Collection method: clinical testing. Allele origin: unknown.

Labcorp Genetics (formerly Invitae), Labcorp
Classification: Pathogenic. Last evaluated: 2023-09-08. Review status: criteria provided, single submitter. Criteria: Invitae Variant Classification Sherloc (09022015). Collection method: clinical testing. Allele origin: germline.
Comment: This variant is not present in population databases (gnomAD no frequency). This variant has not been reported in the literature in individuals affected with GFM1-related conditions. ClinVar contains an entry for this variant (Variation ID: 2187939). For these reasons, this variant has been classified as Pathogenic. This sequence change creates a premature translational stop signal (p.Arg475Lysfs*78) in the GFM1 gene. It is expected to result in an absent or disrupted protein product. Loss-of-function variants in GFM1 are known to be pathogenic (PMID: 16632485, 17160893).

Center for Personalized Medicine, Children's Hospital Los Angeles
Classification: Pathogenic. Last evaluated: 2022-12-21. Review status: criteria provided, single submitter. Criteria: ACMG Guidelines, 2015. Collection method: clinical testing. Allele origin: inherited. Affected: yes.

Literature cited by the submitters: PubMed 16632485 (cited by Labcorp Genetics (formerly Invitae), Labcorp); PubMed 17160893 (cited by Labcorp Genetics (formerly Invitae), Labcorp).